The following is an entry in ClinVar:

NM_003803.4(MYOM1):c.2534C>T (p.Pro845Leu)

Gene: MYOM1 (myomesin 1; minus strand). Cytogenetic location: 18p11.31.
Variant type: single nucleotide variant.
Coding change: c.2534C>T on transcript NM_003803.4 (MANE Select); coding-DNA position 2534, C replaced by T.
Protein change: p.Pro845Leu; replaces proline 845 with leucine.
Molecular consequence: missense variant. On other transcripts: intron variant (1).
Genome position (GRCh38, 1-based): chr18:3,129,492, G>A on the plus strand (C>T on the coding strand, the complement: MYOM1 is on the minus strand). VCF-style: chr18-3129492-G-A. GRCh37 (hg19) VCF-style: chr18-3129490-G-A.
Other names: c.2506+1883C>T (NM_019856.2); c.2534C>T (NM_003803.3); short protein forms P845L.
Identifiers: ClinVar variation 1440877 (VCV001440877.5), dbSNP rs1208842664, ClinGen allele CA401710683.

ClinVar aggregate classification (germline): Uncertain significance. Review status: criteria provided, multiple submitters, no conflicts (2 of 4 stars). 2 submissions from 2 submitters: Uncertain significance (2). Last evaluated 2026-04-09.

Conditions:
Hypertrophic cardiomyopathy. Also called: HYPERTROPHIC MYOCARDIOPATHY. Identifiers: Orphanet 217569, MedGen C0007194, MeSH D002312, MONDO:0005045, HP:0001639.

Allele frequency attached by ClinVar (database versions not stated): gnomAD exomes 0.00001.
gnomAD v4.1: 3 of 1,613,424 alleles (0.00019%); highest among the groups gnomAD compares: Admixed American, 0.0033%; no homozygotes.

Submissions (2):

Ambry Genetics
Classification: Uncertain significance. Last evaluated: 2026-04-09. Review status: criteria provided, single submitter. Criteria: Ambry Variant Classification Scheme 2023. Collection method: clinical testing. Allele origin: germline.
Comment: The p.P845L variant (also known as c.2534C>T), located in coding exon 17 of the MYOM1 gene, results from a C to T substitution at nucleotide position 2534. The proline at codon 845 is replaced by leucine, an amino acid with similar properties. This amino acid position is conserved. In addition, this alteration is predicted to be tolerated by in silico analysis. Based on the available evidence, the clinical significance of this variant remains unclear.

Labcorp Genetics (formerly Invitae), Labcorp
Classification: Uncertain significance for Hypertrophic cardiomyopathy. Last evaluated: 2026-01-15. Review status: criteria provided, single submitter. Criteria: Invitae Variant Classification Sherloc (09022015). Collection method: clinical testing. Allele origin: germline.
Comment: This sequence change replaces proline, which is neutral and non-polar, with leucine, which is neutral and non-polar, at codon 845 of the MYOM1 protein (p.Pro845Leu). This variant is present in population databases (no rsID available, gnomAD 0.006%). This variant has not been reported in the literature in individuals affected with MYOM1-related conditions. ClinVar contains an entry for this variant (Variation ID: 1440877). An algorithm developed to predict the effect of missense changes on protein structure and function outputs the following: PolyPhen-2: "Benign". The leucine amino acid residue is found in multiple mammalian species, which suggests that this missense change does not adversely affect protein function. In summary, the available evidence is currently insufficient to determine the role of this variant in disease. Therefore, it has been classified as a Variant of Uncertain Significance.